The following is an entry in ClinVar:

NM_000038.6(APC):c.8395T>G (p.Ser2799Ala)

Gene: APC (APC regulator of Wnt signaling pathway; plus strand). Cytogenetic location: 5q22.2.
Variant type: single nucleotide variant.
Coding change: c.8395T>G on transcript NM_000038.6 (MANE Select); coding-DNA position 8395, T replaced by G.
Protein change: p.Ser2799Ala; replaces serine 2799 with alanine.
Molecular consequence: missense variant.
Genome position (GRCh38, 1-based): chr5:112,843,989, T>G. VCF-style: chr5-112843989-T-G. GRCh37 (hg19) VCF-style: chr5-112179686-T-G.
Other names: c.8395T>G, p.Ser2799Ala (NM_001127510.3, NM_001354895.2, NM_001407450.1); c.8341T>G, p.Ser2781Ala (NM_001127511.3); c.8449T>G, p.Ser2817Ala (NM_001354896.2, NM_001407447.1, NM_001407448.1 and 1 more transcripts); c.8425T>G, p.Ser2809Ala (NM_001354897.2); c.8320T>G, p.Ser2774Ala (NM_001354898.2); c.8311T>G, p.Ser2771Ala (NM_001354899.2); c.8272T>G, p.Ser2758Ala (NM_001354900.2); c.8218T>G, p.Ser2740Ala (NM_001354901.2, NM_001407453.1); and 11 more; short protein forms S2670A, S2673A, S2698A, S2781A, S2789A, S2708A, S2758A, S2415A.
Identifiers: ClinVar variation 1940038 (VCV001940038.5), dbSNP rs906191341, ClinGen allele CA16039554.

ClinVar aggregate classification (germline): Uncertain significance (1 of 4 stars; one submission).

Conditions:
Familial adenomatous polyposis 1 (FAP1). Also called: FAMILIAL ADENOMATOUS POLYPOSIS 1, ATTENUATED; POLYPOSIS, ADENOMATOUS INTESTINAL. Identifiers: MedGen C2713442, MONDO:0021056, OMIM 175100. Disease mechanism: loss of function.

Submission:

Labcorp Genetics (formerly Invitae), Labcorp
Classification: Uncertain significance for Familial adenomatous polyposis 1. Last evaluated: 2023-02-18. Review status: criteria provided, single submitter. Criteria: Invitae Variant Classification Sherloc (09022015). Collection method: clinical testing. Allele origin: germline.
Comment: In summary, the available evidence is currently insufficient to determine the role of this variant in disease. Therefore, it has been classified as a Variant of Uncertain Significance. Advanced modeling of protein sequence and biophysical properties (such as structural, functional, and spatial information, amino acid conservation, physicochemical variation, residue mobility, and thermodynamic stability) performed at Invitae indicates that this missense variant is not expected to disrupt APC protein function. This variant has not been reported in the literature in individuals affected with APC-related conditions. This variant is not present in population databases (gnomAD no frequency). This sequence change replaces serine, which is neutral and polar, with alanine, which is neutral and non-polar, at codon 2799 of the APC protein (p.Ser2799Ala).